The following is an entry in ClinVar:

ClinVar aggregate classification (germline): Uncertain significance. Review status: criteria provided, multiple submitters, no conflicts (2 of 4 stars). 5 submissions from 5 submitters: Uncertain significance (5). Last evaluated 2025-08-29.

Conditions:
Progressive sclerosing poliodystrophy (MTDPS4A). Also called: Mitochondrial DNA depletion syndrome 4A (Alpers type); Mitochondrial DNA Depletion Syndrome 4A; ALPERS PROGRESSIVE INFANTILE POLIODYSTROPHY; Alpers-Huttenlocher Syndrome (AHS); Alpers Syndrome; NEURONAL DEGENERATION OF CHILDHOOD WITH LIVER DISEASE, PROGRESSIVE. Identifiers: Orphanet 726, MedGen C0205710, MONDO:0008758, OMIM 203700.
POLG-related disorder. Also called: POLG-Related Spectrum Disorders; POLG-related condition; POLG-Related Disorders. Identifiers: MedGen C4763519.

Allele frequency attached by ClinVar (database versions not stated): gnomAD exomes 0.00001 and 0.00003; gnomAD 0.00003 and 0.00004; TOPMed 0.00005; ExAC 0.00011.
gnomAD v4.1: 20 of 1,561,606 alleles (0.0013%); highest among the groups gnomAD compares: Admixed American, 0.019%; no homozygotes.

Submissions (5):

Myriad Genetics, Inc.
Classification: Uncertain significance for POLG-related disorder. Last evaluated: 2025-08-29. Review status: criteria provided, single submitter. Criteria: Myriad Autosomal Dominant, Autosomal Recessive and X-Linked Classification Criteria (2023). Collection method: clinical testing. Allele origin: unknown.
Comment: NM_002693.2(POLG):c.487C>T(P163S) is a missense variant classified as a variant of uncertain significance in the context of POLG-related disorders. P163S has been observed in a case with relevant disease (PMID: 22647225). Relevant functional assessments of this variant are not available in the literature. P163S has been observed in referenced population frequency databases. In summary, there is insufficient evidence to classify NM_002693.2(POLG):c.487C>T(P163S) as pathogenic or benign. Please note: this variant was assessed in the context of healthy population screening.

Labcorp Genetics (formerly Invitae), Labcorp
Classification: Uncertain significance for Progressive sclerosing poliodystrophy. Last evaluated: 2025-01-15. Review status: criteria provided, single submitter. Criteria: Invitae Variant Classification Sherloc (09022015). Collection method: clinical testing. Allele origin: germline.
Comment: This sequence change replaces proline, which is neutral and non-polar, with serine, which is neutral and polar, at codon 163 of the POLG protein (p.Pro163Ser). This variant is present in population databases (rs758454871, gnomAD 0.01%). This missense change has been observed in individual(s) with chronic progressiveexternal ophthalmoplegia, seizure, neuropathy, and ataxia (PMID: 22647225). ClinVar contains an entry for this variant (Variation ID: 586365). Invitae Evidence Modeling of protein sequence and biophysical properties (such as structural, functional, and spatial information, amino acid conservation, physicochemical variation, residue mobility, and thermodynamic stability) indicates that this missense variant is expected to disrupt POLG protein function with a positive predictive value of 95%. In summary, the available evidence is currently insufficient to determine the role of this variant in disease. Therefore, it has been classified as a Variant of Uncertain Significance.

Blueprint Genetics
Classification: Uncertain significance. Last evaluated: 2024-09-02. Review status: criteria provided, single submitter. Criteria: ACMG Guidelines, 2015. Collection method: clinical testing. Allele origin: germline.

Women's Health and Genetics/Laboratory Corporation of America, LabCorp
Classification: Uncertain significance. Last evaluated: 2023-07-27. Review status: criteria provided, single submitter. Criteria: LabCorp Variant Classification Summary - May 2015. Collection method: clinical testing. Allele origin: germline.
Comment: Variant summary: POLG c.487C>T (p.Pro163Ser) results in a non-conservative amino acid change located in the DNA mitochondrial polymerase, exonuclease domain (IPR041336) of the encoded protein sequence. Five of five in-silico tools predict a damaging effect of the variant on protein function. The variant allele was found at a frequency of 2.9e-05 in 171530 control chromosomes (gnomAD). The available data on variant occurrences in the general population are insufficient to allow any conclusion about variant significance. c.487C>T has been reported in the literature in an individual affected with POLG Related condition (example: Woodbridge_2013). These data do not allow any conclusion about variant significance. One publication reports experimental evidence evaluating an impact on protein function, however, does not allow convincing conclusions about the variant effect (example: Kasahara_2017). The following publications have been ascertained in the context of this evaluation (PMID: 27987238, 22647225). Two submitters have cited clinical-significance assessments for this variant to ClinVar after 2014. All submitters classified the variant as uncertain significance. Based on the evidence outlined above, the variant was classified as uncertain significance.

Athena Diagnostics
Classification: Uncertain significance. Last evaluated: 2018-06-28. Review status: criteria provided, single submitter. Criteria: Athena Diagnostics Criteria. Collection method: clinical testing. Allele origin: germline.

Literature cited by the submitters: PubMed 22647225 (cited by 4 submitters); PubMed 27987238 (cited by Women's Health and Genetics/Laboratory Corporation of America, LabCorp).

NM_002693.3(POLG):c.487C>T (p.Pro163Ser)

Genes: POLG (DNA polymerase gamma, catalytic subunit; minus strand), POLGARF (POLG alternative reading frame; minus strand). Cytogenetic location: 15q26.1.
Variant type: single nucleotide variant.
Coding change: c.487C>T on transcript NM_002693.3 (MANE Select); coding-DNA position 487, C replaced by T.
Protein change: p.Pro163Ser; replaces proline 163 with serine.
Molecular consequence: missense variant.
Genome position (GRCh38, 1-based): chr15:89,333,268, G>A on the plus strand (C>T on the coding strand, the complement: POLG is on the minus strand). VCF-style: chr15-89333268-G-A. GRCh37 (hg19) VCF-style: chr15-89876499-G-A.
Other names: c.487C>T, p.Pro163Ser (NM_001126131.2); short protein forms P163S.
Identifiers: ClinVar variation 586365 (VCV000586365.18), dbSNP rs758454871, ClinGen allele CA7725107.